The following is an entry in ClinVar:

ClinVar aggregate classification (germline): Uncertain significance. Review status: criteria provided, multiple submitters, no conflicts (2 of 4 stars). 4 submissions from 4 submitters: Uncertain significance (4). Last evaluated 2025-12-04.

Conditions:
Hereditary cancer-predisposing syndrome. Also called: Hereditary Cancer Syndrome; Hereditary neoplastic syndrome; Tumor predisposition; Neoplastic Syndromes, Hereditary. Identifiers: Orphanet 140162, MedGen C0027672, MeSH D009386, MONDO:0015356.
Hereditary nonpolyposis colorectal neoplasms. Identifiers: MedGen C0009405, MeSH D003123.
Lynch syndrome 4 (LYNCH4). Also called: Colorectal cancer, hereditary nonpolyposis, type 4; Hereditary non-polyposis colorectal cancer, type 4. Identifiers: Orphanet 144, MedGen C1838333, MONDO:0013699, OMIM 614337. Disease mechanism: loss of function.

Submissions (4):

Ambry Genetics
Classification: Uncertain significance for Hereditary cancer-predisposing syndrome. Last evaluated: 2025-12-04. Review status: criteria provided, single submitter. Criteria: Ambry Variant Classification Scheme 2023. Collection method: clinical testing. Allele origin: germline.
Comment: The p.I787T variant (also known as c.2360T>C), located in coding exon 14 of the PMS2 gene, results from a T to C substitution at nucleotide position 2360. The isoleucine at codon 787 is replaced by threonine, an amino acid with similar properties. This amino acid position is conserved. In addition, this alteration is predicted to be deleterious by in silico analysis. Based on the available evidence, the clinical significance of this variant remains unclear.

Quest Diagnostics Nichols Institute San Juan Capistrano
Classification: Uncertain significance. Last evaluated: 2025-03-03. Review status: criteria provided, single submitter. Criteria: Quest Diagnostics criteria. Collection method: clinical testing. Allele origin: unknown.
Comment: The PMS2 c.2360T>C (p.Ile787Thr) variant has not been reported in individuals with PMS2-related conditions in the published literature. It also has not been reported in large, multi-ethnic general populations (Genome Aggregation Database). Analysis of this variant using bioinformatics tools for the prediction of the effect of amino acid changes on protein structure and function yielded predictions that this variant is damaging. Based on the available information, we are unable to determine the clinical significance of this variant.

Labcorp Genetics (formerly Invitae), Labcorp
Classification: Uncertain significance for Hereditary nonpolyposis colorectal neoplasms. Last evaluated: 2024-05-21. Review status: criteria provided, single submitter. Criteria: Invitae Variant Classification Sherloc (09022015). Collection method: clinical testing. Allele origin: germline.
Comment: This sequence change replaces isoleucine, which is neutral and non-polar, with threonine, which is neutral and polar, at codon 787 of the PMS2 protein (p.Ile787Thr). The frequency data for this variant in the population databases (gnomAD) is considered unreliable due to the presence of homologous sequence, such as pseudogenes or paralogs, in the genome. This variant has not been reported in the literature in individuals affected with PMS2-related conditions. ClinVar contains an entry for this variant (Variation ID: 1790156). Advanced modeling of protein sequence and biophysical properties (such as structural, functional, and spatial information, amino acid conservation, physicochemical variation, residue mobility, and thermodynamic stability) performed at Invitae indicates that this missense variant is expected to disrupt PMS2 protein function with a positive predictive value of 80%. In summary, the available evidence is currently insufficient to determine the role of this variant in disease. Therefore, it has been classified as a Variant of Uncertain Significance.

Baylor Genetics
Classification: Uncertain significance for Lynch syndrome 4. Last evaluated: 2024-03-13. Review status: criteria provided, single submitter. Criteria: ACMG Guidelines, 2015. Collection method: clinical testing. Allele origin: unknown.

NM_000535.7(PMS2):c.2360T>C (p.Ile787Thr)

Gene: PMS2 (PMS1 homolog 2, mismatch repair system component; minus strand). Cytogenetic location: 7p22.1.
Variant type: single nucleotide variant.
Coding change: c.2360T>C on transcript NM_000535.7 (MANE Select); coding-DNA position 2360, T replaced by C.
Protein change: p.Ile787Thr; replaces isoleucine 787 with threonine.
Molecular consequence: missense variant. On other transcripts: non-coding transcript variant (1).
Genome position (GRCh38, 1-based): chr7:5,977,673, A>G on the plus strand (T>C on the coding strand, the complement: PMS2 is on the minus strand). VCF-style: chr7-5977673-A-G. GRCh37 (hg19) VCF-style: chr7-6017304-A-G.
Other names: c.1955T>C, p.Ile652Thr (NM_001018040.1, NM_001322003.2, NM_001322004.2 and 12 more transcripts); c.2204T>C, p.Ile735Thr (NM_001322006.2); c.2042T>C, p.Ile681Thr (NM_001322007.2, NM_001322008.2, NM_001406883.1); c.1988T>C, p.Ile663Thr (NM_001322009.2, NM_001406887.1, NM_001406888.1); c.1799T>C, p.Ile600Thr (NM_001322010.2, NM_001406906.1, NM_001406907.1); c.1427T>C, p.Ile476Thr (NM_001322011.2, NM_001322012.2); c.1787T>C, p.Ile596Thr (NM_001322013.2, NM_001406908.1, NM_001406909.1); c.2393T>C, p.Ile798Thr (NM_001322014.2); and 21 more; short protein forms I596T, I600T, I663T, I679T, I721T, I739T, I798T, I386T.
Identifiers: ClinVar variation 1790156 (VCV001790156.9), dbSNP rs1781837155, ClinGen allele CA366735845.